The following is an entry in ClinVar:

NM_004431.5(EPHA2):c.453C>T (p.Thr151=)

Gene: EPHA2 (EPH receptor A2; minus strand). Cytogenetic location: 1p36.13.
Variant type: single nucleotide variant.
Coding change: c.453C>T on transcript NM_004431.5 (MANE Select); coding-DNA position 453, C replaced by T.
Protein change: p.Thr151=; no amino-acid change (threonine 151 retained).
Molecular consequence: synonymous variant.
Genome position (GRCh38, 1-based): chr1:16,148,748, G>A on the plus strand (C>T on the coding strand, the complement: EPHA2 is on the minus strand). VCF-style: chr1-16148748-G-A. GRCh37 (hg19) VCF-style: chr1-16475243-G-A.
Other names: c.453C>T (NM_004431.4); c.291C>T, p.Thr97= (NM_001329090.2).
Identifiers: ClinVar variation 293447 (VCV000293447.16), dbSNP rs139200871, ClinGen allele CA625522.

ClinVar aggregate classification (germline): Benign/Likely benign. Review status: criteria provided, multiple submitters, no conflicts (2 of 4 stars). 4 submissions from 4 submitters: Benign (2); Likely benign (1). 1 of the submissions does not count toward it. Last evaluated 2024-11-19.

Conditions:
EPHA2-related disorder. Also called: EPHA2-related condition.
Cataract 6 multiple types. Also called: CATARACT, AGE-RELATED CORTICAL, 2; CATARACT 6, POSTERIOR POLAR; CATARACT 6, CONGENITAL TOTAL. Identifiers: Orphanet 91492, MedGen C1861825, MONDO:0007288, OMIM 116600.

Allele frequency attached by ClinVar (database versions not stated): TOPMed 0.00052; gnomAD 0.00060 and 0.00076; ESP Exome Variant Server 0.00069; gnomAD exomes 0.00080 and 0.00130; 1000 Genomes Project 30x 0.00109; 1000 Genomes Project 0.00120; ExAC 0.00135.

Submissions (4):

Blueprint Genetics
Classification: Likely benign. Last evaluated: 2024-11-19. Review status: criteria provided, single submitter. Criteria: ACMG Guidelines, 2015. Collection method: clinical testing. Allele origin: germline.

Labcorp Genetics (formerly Invitae), Labcorp
Classification: Benign for Cataract 6 multiple types. Last evaluated: 2024-11-11. Review status: criteria provided, single submitter. Criteria: Invitae Variant Classification Sherloc (09022015). Collection method: clinical testing. Allele origin: germline.

Illumina Laboratory Services, Illumina
Classification: Benign for Cataract 6 multiple types. Last evaluated: 2018-01-12. Review status: criteria provided, single submitter. Criteria: ICSL Variant Classification Criteria 13 December 2019. Collection method: clinical testing. Allele origin: germline.
Comment: This variant was observed in the ICSL laboratory as part of a predisposition screen in an ostensibly healthy population. It had not been previously curated by ICSL or reported in the Human Gene Mutation Database (HGMD: prior to June 1st, 2018), and was therefore a candidate for classification through an automated scoring system. Utilizing variant allele frequency, disease prevalence and penetrance estimates, and inheritance mode, an automated score was calculated to assess if this variant is too frequent to cause the disease. Based on the score and internal cut-off values, a variant classified as benign is not then subjected to further curation. The score for this variant resulted in a classification of benign for this disease.

PreventionGenetics, part of Exact Sciences
Classification: Likely benign for EPHA2-related condition. Last evaluated: 2020-02-21. Review status: no assertion criteria provided. Collection method: clinical testing. Allele origin: germline. Not counted in ClinVar's aggregate classification.
Comment: This variant is classified as likely benign based on ACMG/AMP sequence variant interpretation guidelines (Richards et al. 2015 PMID: 25741868, with internal and published modifications).